The following is an entry in ClinVar:

NM_024715.4(TXNDC15):c.379C>T (p.Arg127Ter)

Gene: TXNDC15 (thioredoxin domain containing 15; plus strand). Cytogenetic location: 5q31.1.
Variant type: single nucleotide variant.
Coding change: c.379C>T on transcript NM_024715.4 (MANE Select); coding-DNA position 379, C replaced by T.
Protein change: p.Arg127Ter; replaces arginine 127 with a stop codon.
Molecular consequence: nonsense.
Genome position (GRCh38, 1-based): chr5:134,887,970, C>T. VCF-style: chr5-134887970-C-T. GRCh37 (hg19) VCF-style: chr5-134223660-C-T.
Other names: c.175C>T, p.Arg59Ter (NM_001350735.2); short protein forms R59*, R127*.
Identifiers: ClinVar variation 932395 (VCV000932395.40), dbSNP rs371232361, ClinGen allele CA3416837.

ClinVar aggregate classification (germline): Pathogenic/Likely pathogenic. Review status: criteria provided, multiple submitters, no conflicts (2 of 4 stars). 2 submissions from 2 submitters: Pathogenic (1); Likely pathogenic (1). Last evaluated 2026-01-01.

Conditions:
Meckel syndrome 14 (MKS14). Identifiers: MedGen C5676989, MONDO:0030819, OMIM 619879.

Allele frequency attached by ClinVar (database versions not stated): ExAC 0.00001; gnomAD exomes 0.00001 and 0.00002; TOPMed 0.00003; gnomAD 0.00004; ESP Exome Variant Server 0.00008.

Submissions (2):

CeGaT Center for Human Genetics Tuebingen
Classification: Pathogenic. Last evaluated: 2026-01-01. Review status: criteria provided, single submitter. Criteria: CeGaT Center For Human Genetics Tuebingen Variant Classification Criteria Version 2. Collection method: clinical testing. Allele origin: germline. Affected: yes. Observed: 4 variant alleles.
Comment: TXNDC15: PVS1, PM2

Juno Genomics, Hangzhou Juno Genomics, Inc
Classification: Likely pathogenic for Meckel syndrome 14. Review status: criteria provided, single submitter. Criteria: ACMG Guidelines, 2015. Collection method: clinical testing. Allele origin: germline.
Comment: Absent from controls (or at extremely low frequency if recessive) in Genome Aggregation Database.;Null variant in a gene where loss of function (LOF) is a known mechanism of disease.